The following is an entry in ClinVar:

NM_000391.4(TPP1):c.1531C>T (p.His511Tyr)

Gene: TPP1 (tripeptidyl peptidase 1; minus strand). Cytogenetic location: 11p15.4.
Variant type: single nucleotide variant.
Coding change: c.1531C>T on transcript NM_000391.4 (MANE Select); coding-DNA position 1531, C replaced by T.
Protein change: p.His511Tyr; replaces histidine 511 with tyrosine.
Molecular consequence: missense variant.
Genome position (GRCh38, 1-based): chr11:6,614,886, G>A on the plus strand (C>T on the coding strand, the complement: TPP1 is on the minus strand). VCF-style: chr11-6614886-G-A. GRCh37 (hg19) VCF-style: chr11-6636117-G-A.
Other names: short protein forms H511Y.
Identifiers: ClinVar variation 2132383 (VCV002132383.3), dbSNP rs2493795792, ClinGen allele CA379472282.

ClinVar aggregate classification (germline): Uncertain significance (1 of 4 stars; one submission).

Submission:

Labcorp Genetics (formerly Invitae), Labcorp
Classification: Uncertain significance. Last evaluated: 2024-10-26. Review status: criteria provided, single submitter. Criteria: Invitae Variant Classification Sherloc (09022015). Collection method: clinical testing. Allele origin: germline.
Comment: This sequence change replaces histidine, which is basic and polar, with tyrosine, which is neutral and polar, at codon 511 of the TPP1 protein (p.His511Tyr). This variant is not present in population databases (gnomAD no frequency). This variant has not been reported in the literature in individuals affected with TPP1-related conditions. ClinVar contains an entry for this variant (Variation ID: 2132383). Invitae Evidence Modeling of protein sequence and biophysical properties (such as structural, functional, and spatial information, amino acid conservation, physicochemical variation, residue mobility, and thermodynamic stability) indicates that this missense variant is not expected to disrupt TPP1 protein function with a negative predictive value of 95%. In summary, the available evidence is currently insufficient to determine the role of this variant in disease. Therefore, it has been classified as a Variant of Uncertain Significance.